The following is an entry in ClinVar:

NM_013275.6(ANKRD11):c.1266A>T (p.Thr422=)

Gene: ANKRD11 (ankyrin repeat domain 11; minus strand). Cytogenetic location: 16q24.3.
Variant type: single nucleotide variant.
Coding change: c.1266A>T on transcript NM_013275.6 (MANE Select); coding-DNA position 1266, A replaced by T.
Protein change: p.Thr422=; no amino-acid change (threonine 422 retained).
Molecular consequence: synonymous variant.
Genome position (GRCh38, 1-based): chr16:89,285,276, T>A on the plus strand (A>T on the coding strand, the complement: ANKRD11 is on the minus strand). VCF-style: chr16-89285276-T-A. GRCh37 (hg19) VCF-style: chr16-89351684-T-A.
Other names: c.1266A>T, p.Thr422= (NM_001256182.2, NM_001256183.2).
Identifiers: ClinVar variation 2570956 (VCV002570956.27), dbSNP rs1433308385, ClinGen allele CA497375753.

ClinVar aggregate classification (germline): Likely benign (1 of 4 stars; one submission).

Allele frequency attached by ClinVar (database versions not stated): gnomAD exomes below 0.00001; TOPMed below 0.00001; gnomAD 0.00001.
gnomAD v4.1: 6 of 1,613,848 alleles (0.00037%); highest among the groups gnomAD compares: Middle Eastern, 0.016%; no homozygotes.

Submission:

CeGaT Center for Human Genetics Tuebingen
Classification: Likely benign. Last evaluated: 2023-04-01. Review status: criteria provided, single submitter. Criteria: CeGaT Center For Human Genetics Tuebingen Variant Classification Criteria Version 2. Collection method: clinical testing. Allele origin: germline. Affected: yes. Observed: 1 variant allele.
Comment: ANKRD11: BP4, BP7